The following is an entry in ClinVar:

ClinVar aggregate classification (germline): Likely benign (1 of 4 stars; one submission).

Submission:

CeGaT Center for Human Genetics Tuebingen
Classification: Likely benign. Last evaluated: 2023-01-01. Review status: criteria provided, single submitter. Criteria: CeGaT Center For Human Genetics Tuebingen Variant Classification Criteria Version 2. Collection method: clinical testing. Allele origin: germline. Affected: yes. Observed: 1 variant allele.
Comment: HSF5: BS2

NM_001080439.3(HSF5):c.191GGGCCG[3] (p.Ala67_Glu68insGlyAla)

Genes: HSF5 (heat shock transcription factor 5; minus strand), LOC130061298 (ATAC-STARR-seq lymphoblastoid silent region 8770; plus strand). Cytogenetic location: 17q22.
Variant type: Microsatellite.
Coding change: c.191GGGCCG[3] on transcript NM_001080439.3 (MANE Select); three copies in a row of the 6-base unit GGGCCG starting at c.191; the reference has two copies in a row; one copy, 6 bases duplicated.
Protein change: p.Ala67_Glu68insGlyAla.
Molecular consequence: inframe insertion.
Genome position (GRCh38, 1-based): chr17:58,488,073-58,488,078, CGGCCC duplicated on the plus strand (GGGCCG on the coding strand, the reverse complement: HSF5 is on the minus strand); duplicating any 6 consecutive bases within chr17:58,488,073-58,488,085 gives the same sequence; the position shown is the placement nearest the transcript's 3' end. VCF-style (leftmost placement, unchanged base first): chr17-58488072-T-TCGGCCC. GRCh37 (hg19) VCF-style: chr17-56565433-T-TCGGCCC.
Identifiers: ClinVar variation 2647966 (VCV002647966.24), dbSNP rs550036152, ClinGen allele CA8673829.